The following is an entry in ClinVar:

NM_001036.6(RYR3):c.11038T>C (p.Phe3680Leu)

Gene: RYR3 (ryanodine receptor 3; plus strand). Cytogenetic location: 15q14.
Variant type: single nucleotide variant.
Coding change: c.11038T>C on transcript NM_001036.6 (MANE Select); coding-DNA position 11038, T replaced by C.
Protein change: p.Phe3680Leu; replaces phenylalanine 3680 with leucine.
Molecular consequence: missense variant.
Genome position (GRCh38, 1-based): chr15:33,823,038, T>C. VCF-style: chr15-33823038-T-C. GRCh37 (hg19) VCF-style: chr15-34115239-T-C.
Other names: c.11023T>C, p.Phe3675Leu (NM_001243996.4); short protein forms F3675L, F3680L.
Identifiers: ClinVar variation 968593 (VCV000968593.1), dbSNP rs2077191516, ClinGen allele CA391587706.

ClinVar aggregate classification (germline): Uncertain significance (1 of 4 stars; one submission).

Conditions:
Epileptic encephalopathy. Identifiers: MedGen C0543888, HP:0200134.

Submission:

Labcorp Genetics (formerly Invitae), Labcorp
Classification: Uncertain significance for Epileptic encephalopathy. Last evaluated: 2019-11-11. Review status: criteria provided, single submitter. Criteria: Invitae Variant Classification Sherloc (09022015). Collection method: clinical testing. Allele origin: germline.
Comment: This sequence change replaces phenylalanine with leucine at codon 3680 of the RYR3 protein (p.Phe3680Leu). The phenylalanine residue is highly conserved and there is a small physicochemical difference between phenylalanine and leucine. This variant is not present in population databases (ExAC no frequency). This variant has not been reported in the literature in individuals with RYR3-related conditions. Algorithms developed to predict the effect of missense changes on protein structure and function are either unavailable or do not agree on the potential impact of this missense change (SIFT: "Deleterious"; PolyPhen-2: "Benign"; Align-GVGD: "Class C0"). In summary, the available evidence is currently insufficient to determine the role of this variant in disease. Therefore, it has been classified as a Variant of Uncertain Significance.